The following is an entry in ClinVar:

ClinVar aggregate classification (germline): no classifications from unflagged records (0 of 4 stars; one submission).

Conditions:
Pyogenic arthritis-pyoderma gangrenosum-acne syndrome (PAPA). Also called: FAMILIAL RECURRENT ARTHRITIS; PAPA SYNDROME. Identifiers: Orphanet 69126, MedGen C1858361, MONDO:0011462, OMIM 604416.

Submission:

Labcorp Genetics (formerly Invitae), Labcorp
Classification: Uncertain significance for Pyogenic arthritis-pyoderma gangrenosum-acne syndrome. Last evaluated: 2023-09-05. Review status: flagged submission. Criteria: Invitae Variant Classification Sherloc (09022015). Collection method: clinical testing. Allele origin: unknown.
Comment: In summary, the available evidence is currently insufficient to determine the role of this variant in disease. Therefore, it has been classified as a Variant of Uncertain Significance. This variant has not been reported in the literature in individuals affected with PSTPIP1-related conditions. A gross deletion of the genomic region encompassing the full coding sequence of the PSTPIP1 gene has been identified. The current clinical and genetic evidence is not sufficient to establish whether loss-of-function variants in PSTPIP1 cause disease. The boundaries of this event are unknown as they extend beyond the assayed region for this gene and therefore may encompass additional genes.
ClinVar note: Notes: This submission was flagged because its interpretation of this variant conflicts with the ClinGen Gene Dosage Map curation for the gene SIN3A.
ClinVar note: Reason: Conflict with ClinGen Gene Dosage Map

NC_000015.9:g.(?_74219125)_(77329517_?)del

Genes: ARID3B (AT-rich interaction domain 3B; plus strand), CCDC33 (coiled-coil domain containing 33; plus strand), CIMAP1C (ciliary microtubule associated protein 1C; plus strand), CLK3 (CDC like kinase 3; plus strand), COMMD4 (COMM domain containing 4; plus strand) and 44 more. Cytogenetic location: 15q24.1-24.3.
Variant type: Deletion.
Identifiers: ClinVar variation 3243780 (VCV003243780.1).